The following is an entry in ClinVar:

NM_002432.3(MNDA):c.1052T>C (p.Val351Ala)

Gene: MNDA (myeloid cell nuclear differentiation antigen; plus strand). Cytogenetic location: 1q23.1.
Variant type: single nucleotide variant.
Coding change: c.1052T>C on transcript NM_002432.3 (MANE Select); coding-DNA position 1052, T replaced by C.
Protein change: p.Val351Ala; replaces valine 351 with alanine.
Molecular consequence: missense variant.
Genome position (GRCh38, 1-based): chr1:158,847,792, T>C. VCF-style: chr1-158847792-T-C. GRCh37 (hg19) VCF-style: chr1-158817582-T-C.
Other names: short protein forms V351A.
Identifiers: ClinVar variation 1777644 (VCV001777644.2), dbSNP rs1659167168, ClinGen allele CA343044055.
Genomic context (GRCh38, chr1:158,847,792, plus strand): 5'-GCGTACACAAGAAGAACACAATTTATGAAATACAGGATAATACAGGATCCATGGATGTAG[T>C]GGGGAGTGGAAAATGGCACAATATCAAGTGTGAGAAAGGAGATAAACTTCGACTCTTCTG-3'
Protein context (NP_002423.1, residues 341-361): IQDNTGSMDV[Val351Ala]GSGKWHNIKC

ClinVar aggregate classification (germline): Uncertain significance (1 of 4 stars; one submission).

Allele frequency attached by ClinVar (database versions not stated): TOPMed below 0.00001; gnomAD exomes 0.00001.

Submission:

Ambry Genetics
Classification: Uncertain significance. Last evaluated: 2024-02-01. Review status: criteria provided, single submitter. Criteria: Ambry Variant Classification Scheme 2023. Collection method: clinical testing. Allele origin: germline.
Comment: The p.V351A variant (also known as c.1052T>C), located in coding exon 5 of the MNDA gene, results from a T to C substitution at nucleotide position 1052. The valine at codon 351 is replaced by alanine, an amino acid with similar properties. This amino acid position is conserved. In addition, this alteration is predicted to be tolerated by in silico analysis. Since supporting evidence is limited at this time, the clinical significance of this alteration remains unclear.